The following is an entry in ClinVar:

NM_014028.4(OSTM1):c.544T>C (p.Leu182=)

Gene: OSTM1 (osteoclastogenesis associated transmembrane protein 1; minus strand). Cytogenetic location: 6q21.
Variant type: single nucleotide variant.
Coding change: c.544T>C on transcript NM_014028.4 (MANE Select); coding-DNA position 544, T replaced by C.
Protein change: p.Leu182=; no amino-acid change (leucine 182 retained).
Molecular consequence: synonymous variant.
Genome position (GRCh38, 1-based): chr6:108,054,561, A>G on the plus strand (T>C on the coding strand, the complement: OSTM1 is on the minus strand). VCF-style: chr6-108054561-A-G. GRCh37 (hg19) VCF-style: chr6-108375765-A-G.
Other names: c.544T>C (NM_014028.3).
Identifiers: ClinVar variation 2054550 (VCV002054550.6), dbSNP rs191274133, ClinGen allele CA3948024.

ClinVar aggregate classification (germline): Likely benign. Review status: criteria provided, single submitter (1 of 4 stars). 2 submissions from 2 submitters: Likely benign (1). 1 of the submissions does not count toward it. Last evaluated 2026-01-18.

Conditions:
OSTM1-related disorder. Also called: OSTM1-related condition.

Allele frequency attached by ClinVar (database versions not stated): gnomAD 0.00002; gnomAD exomes 0.00002; TOPMed 0.00002; ExAC 0.00006; 1000 Genomes Project 30x 0.00016; 1000 Genomes Project 0.00020.
gnomAD v4.1: 29 of 1,564,436 alleles (0.0019%); highest among the groups gnomAD compares: East Asian, 0.063%; no homozygotes.

Submissions (2):

Labcorp Genetics (formerly Invitae), Labcorp
Classification: Likely benign. Last evaluated: 2026-01-18. Review status: criteria provided, single submitter. Criteria: Invitae Variant Classification Sherloc (09022015). Collection method: clinical testing. Allele origin: germline.

PreventionGenetics, part of Exact Sciences
Classification: Likely benign for OSTM1-related condition. Last evaluated: 2019-03-21. Review status: no assertion criteria provided. Collection method: clinical testing. Allele origin: germline. Not counted in ClinVar's aggregate classification.
Comment: This variant is classified as likely benign based on ACMG/AMP sequence variant interpretation guidelines (Richards et al. 2015 PMID: 25741868, with internal and published modifications).